The following is an entry in ClinVar:

NM_024426.6(WT1):c.1093G>A (p.Gly365Ser)

Gene: WT1 (WT1 transcription factor; minus strand). Cytogenetic location: 11p13.
Variant type: single nucleotide variant.
Coding change: c.1093G>A on transcript NM_024426.6 (MANE Select); coding-DNA position 1093, G replaced by A.
Protein change: p.Gly365Ser; replaces glycine 365 with serine.
Molecular consequence: missense variant. On other transcripts: 5 prime UTR variant (1), non-coding transcript variant (1).
Genome position (GRCh38, 1-based): chr11:32,399,968, C>T on the plus strand (G>A on the coding strand, the complement: WT1 is on the minus strand). VCF-style: chr11-32399968-C-T. GRCh37 (hg19) VCF-style: chr11-32421514-C-T.
Other names: c.1042G>A, p.Gly348Ser (NM_000378.6, NM_001407045.1, NM_001407048.1 and 1 more transcripts); c.442G>A, p.Gly148Ser (NM_001198551.2); c.391G>A, p.Gly131Ser (NM_001198552.2); c.-96G>A (NM_001367854.1); c.1087G>A, p.Gly363Ser (NM_001407044.1); c.1093G>A, p.Gly365Ser (NM_001407046.1, NM_024424.5); c.970G>A, p.Gly324Ser (NM_001407047.1); c.919G>A, p.Gly307Ser (NM_001407050.1); and 3 more; short protein forms G324S, G343S, G363S, G365S, G360S, G111S, G131S, G148S.
Identifiers: ClinVar variation 2185706 (VCV002185706.7), dbSNP rs1564975631, ClinGen allele CA379960288.

ClinVar aggregate classification (germline): Uncertain significance. Review status: criteria provided, multiple submitters, no conflicts (2 of 4 stars). 4 submissions from 4 submitters: Uncertain significance (4). Last evaluated 2025-01-21.

Conditions:
Frasier syndrome. Identifiers: Orphanet 347, MedGen C0950122, MeSH D052159, MONDO:0007635, OMIM 136680.
Wilms tumor 1 (WT1). Also called: Wilms tumor, somatic. Identifiers: Orphanet 654, MedGen CN033288, MONDO:0008679, OMIM 194070.
11p partial monosomy syndrome (WAGR). Also called: CHROMOSOME 11p13 DELETION SYNDROME; WAGR Complex; WAGR syndrome; WAGR Spectrum Disorder. Identifiers: Orphanet 893, MedGen C0206115, MONDO:0008681, OMIM 194072.
Drash syndrome (DDS). Also called: WILMS TUMOR AND PSEUDO- OR TRUE HERMAPHRODITISM; NEPHROPATHY, WILMS TUMOR, AND GENITAL ANOMALIES. Identifiers: Orphanet 220, MedGen C0950121, MONDO:0008682, OMIM 194080.
Inborn genetic diseases. Identifiers: MedGen C0950123, MeSH D030342.
Nephrotic syndrome, type 4 (NPHS4). Also called: Familial mesangial sclerosis; Nephrotic syndrome, early onset with diffuse mesangial sclerosis. Identifiers: Orphanet 656, MedGen C3151568, MONDO:0009733, OMIM 256370.
Mesothelioma, malignant (MESOM). Also called: Malignant mesothelioma (disease). Identifiers: Orphanet 50251, MedGen C0345967, MONDO:0006292, OMIM 156240, HP:0100001.
Meacham syndrome. Also called: Meacham Winn Culler syndrome. Identifiers: Orphanet 3097, MedGen C1837026, MONDO:0012164, OMIM 608978.

gnomAD v4.1: 1 of 1,614,162 alleles (0.000062%); highest among the groups gnomAD compares: Non-Finnish European, 0.000085%; no homozygotes.

Submissions (4):

Ambry Genetics
Classification: Uncertain significance for Inborn genetic diseases. Last evaluated: 2025-01-21. Review status: criteria provided, single submitter. Criteria: Ambry Variant Classification Scheme 2023. Collection method: clinical testing. Allele origin: germline.
Comment: The p.G360S variant (also known as c.1078G>A), located in coding exon 6 of the WT1 gene, results from a G to A substitution at nucleotide position 1078. The glycine at codon 360 is replaced by serine, an amino acid with similar properties. This amino acid position is highly conserved in available vertebrate species. In addition, the in silico prediction for this alteration is inconclusive. Based on the available evidence, the clinical significance of this variant remains unclear.

Fulgent Genetics
Classification: Uncertain significance for Frasier syndrome; Mesothelioma, malignant; Wilms tumor 1; Drash syndrome; Nephrotic syndrome, type 4; Meacham syndrome. Last evaluated: 2024-05-23. Review status: criteria provided, single submitter. Criteria: ACMG Guidelines, 2015. Collection method: clinical testing. Allele origin: germline.

All of Us Research Program, National Institutes of Health
Classification: Uncertain significance for Wilms tumor 1. Last evaluated: 2023-09-04. Review status: criteria provided, single submitter. Criteria: ACMG Guidelines, 2015. Collection method: clinical testing. Allele origin: germline. Inheritance: Autosomal dominant inheritance. Observed: 1 variant allele, 1 heterozygote.
Comment: This missense variant replaces glycine with serine at codon 360 in the WT1 protein. Computational prediction is inconclusive regarding the impact of this variant on protein structure and function (internally defined REVEL score threshold 0.5 < inconclusive < 0.7, PMID: 27666373). To our knowledge, functional studies have not been reported for this variant. This variant has not been reported in individuals affected with WT1-related disorders in the literature. This variant has not been identified in the general population by the Genome Aggregation Database (gnomAD). The available evidence is insufficient to determine the role of this variant in disease conclusively. Therefore, this variant is classified as a Variant of Uncertain Significance.

This study involves interpretation of variants in research participants for the purpose of population health screening. Participant phenotype was not available at the time of variant classification. Additional details can be found in publication PMID: 35346344, PMCID: PMC8962531

Labcorp Genetics (formerly Invitae), Labcorp
Classification: Uncertain significance for Wilms tumor 1; Drash syndrome; 11p partial monosomy syndrome; Frasier syndrome. Last evaluated: 2022-02-19. Review status: criteria provided, single submitter. Criteria: Invitae Variant Classification Sherloc (09022015). Collection method: clinical testing. Allele origin: germline.
Comment: In summary, the available evidence is currently insufficient to determine the role of this variant in disease. Therefore, it has been classified as a Variant of Uncertain Significance. Algorithms developed to predict the effect of missense changes on protein structure and function (SIFT, PolyPhen-2, Align-GVGD) all suggest that this variant is likely to be disruptive. This variant has not been reported in the literature in individuals affected with WT1-related conditions. This variant is not present in population databases (gnomAD no frequency). This sequence change replaces glycine, which is neutral and non-polar, with serine, which is neutral and polar, at codon 360 of the WT1 protein (p.Gly360Ser).